The following is an entry in ClinVar:

NM_020778.5(ALPK3):c.3367G>A (p.Ala1123Thr)

Gene: ALPK3 (alpha kinase 3; plus strand). Cytogenetic location: 15q25.3.
Variant type: single nucleotide variant.
Coding change: c.3367G>A on transcript NM_020778.5 (MANE Select); coding-DNA position 3367, G replaced by A.
Protein change: p.Ala1123Thr; replaces alanine 1123 with threonine.
Molecular consequence: missense variant.
Genome position (GRCh38, 1-based): chr15:84,858,105, G>A. VCF-style: chr15-84858105-G-A. GRCh37 (hg19) VCF-style: chr15-85401336-G-A.
Other names: short protein forms A1123T.
Identifiers: ClinVar variation 3725247 (VCV003725247.3).

ClinVar aggregate classification (germline): Conflicting classifications of pathogenicity. Review status: criteria provided, conflicting classifications (1 of 4 stars). 2 submissions from 2 submitters: Uncertain significance (1); Likely benign (1). Last evaluated 2024-11-19.

gnomAD v4.1: 10 of 1,572,220 alleles (0.00064%); highest among the groups gnomAD compares: South Asian, 0.0012%; no homozygotes.

Submissions (2):

Labcorp Genetics (formerly Invitae), Labcorp
Classification: Uncertain significance. Last evaluated: 2024-11-19. Review status: criteria provided, single submitter. Criteria: Invitae Variant Classification Sherloc (09022015). Collection method: clinical testing. Allele origin: germline.
Comment: This sequence change replaces alanine, which is neutral and non-polar, with threonine, which is neutral and polar, at codon 1325 of the ALPK3 protein (p.Ala1325Thr). The frequency data for this variant in the population databases is considered unreliable, as metrics indicate poor data quality at this position in the gnomAD database. This variant has not been reported in the literature in individuals affected with ALPK3-related conditions. An algorithm developed to predict the effect of missense changes on protein structure and function (PolyPhen-2) suggests that this variant is likely to be tolerated. In summary, the available evidence is currently insufficient to determine the role of this variant in disease. Therefore, it has been classified as a Variant of Uncertain Significance.

Blueprint Genetics
Classification: Likely benign. Last evaluated: 2023-03-01. Review status: criteria provided, single submitter. Criteria: ACMG Guidelines, 2015. Collection method: clinical testing. Allele origin: germline.